The following is an entry in ClinVar:

ClinVar aggregate classification (germline): Uncertain significance (1 of 4 stars; one submission).

Conditions:
Familial isolated deficiency of vitamin E (AVED). Also called: Ataxia with isolated vitamin E deficiency; ATAXIA, FRIEDREICH-LIKE, WITH SELECTIVE VITAMIN E DEFICIENCY. Identifiers: Orphanet 96, MedGen C1848533, MONDO:0010188, OMIM 277460.

gnomAD v4.1: 1 of 1,613,334 alleles (0.000062%); highest among the groups gnomAD compares: Non-Finnish European, 0.000085%; no homozygotes.

Submission:

Myriad Genetics, Inc.
Classification: Uncertain significance for Familial isolated deficiency of vitamin E. Last evaluated: 2026-02-02. Review status: criteria provided, single submitter. Criteria: Myriad Autosomal Dominant, Autosomal Recessive and X-Linked Classification Criteria (2023). Collection method: clinical testing. Allele origin: unknown.
Comment: NM_000370.3(TTPA):c.832C>T(Q278*) is a nonsense variant classified as a variant of uncertain significance in the context of ataxia with vitamin E deficiency. Q278* has not been observed in cases with relevant disease. Relevant functional assessments of this variant are not available in the literature. Q278* has not been observed in referenced population frequency databases. In summary, there is insufficient evidence to classify NM_000370.3(TTPA):c.832C>T(Q278*) as pathogenic or benign. Please note: this variant was assessed in the context of healthy population screening.

NM_000370.3(TTPA):c.832C>T (p.Gln278Ter)

Gene: TTPA (alpha tocopherol transfer protein; minus strand). Cytogenetic location: 8q12.3.
Variant type: single nucleotide variant.
Coding change: c.832C>T on transcript NM_000370.3 (MANE Select); coding-DNA position 832, C replaced by T.
Protein change: p.Gln278Ter; replaces glutamine 278 with a stop codon.
Molecular consequence: nonsense. On other transcripts: 3 prime UTR variant (2), non-coding transcript variant (3).
Genome position (GRCh38, 1-based): chr8:63,061,257, G>A on the plus strand (C>T on the coding strand, the complement: TTPA is on the minus strand). VCF-style: chr8-63061257-G-A. GRCh37 (hg19) VCF-style: chr8-63973816-G-A.
Other names: c.484C>T, p.Gln162Ter (NM_001413414.1); c.*89C>T (NM_001413415.1); c.*734C>T (NM_001413416.1); c.373C>T, p.Gln125Ter (NM_001413417.1); c.949C>T, p.Gln317Ter (NM_001413418.1); short protein forms Q125*, Q278*, Q317*, Q162*.
Identifiers: ClinVar variation 5003891 (VCV005003891.1).